The following is an entry in ClinVar:

ClinVar aggregate classification (germline): Pathogenic/Likely pathogenic. Review status: criteria provided, multiple submitters, no conflicts (2 of 4 stars). 2 submissions from 2 submitters: Pathogenic (1); Likely pathogenic (1). Last evaluated 2023-08-31.

Conditions:
Emery-Dreifuss muscular dystrophy 4, autosomal dominant (EDMD4). Also called: EMERY-DREIFUSS MUSCULAR DYSTROPHY 4 WITH VARIABLE FEATURES. Identifiers: Orphanet 261, MedGen C2751807, MONDO:0013071, OMIM 612998.
Autosomal recessive ataxia, Beauce type. Also called: Spinocerebellar ataxia, autosomal recessive 8; ATAXIA, RECESSIVE, OF BEAUCE; SYNE1-Related Autosomal Recessive Cerebellar Ataxia; SYNE1 Deficiency. Identifiers: Orphanet 88644, MedGen C1853116, MONDO:0012549, OMIM 610743.

Submissions (2):

Labcorp Genetics (formerly Invitae), Labcorp
Classification: Pathogenic for Emery-Dreifuss muscular dystrophy 4, autosomal dominant; Autosomal recessive ataxia, Beauce type. Last evaluated: 2023-08-31. Review status: criteria provided, single submitter. Criteria: Invitae Variant Classification Sherloc (09022015). Collection method: clinical testing. Allele origin: germline.
Comment: This sequence change creates a premature translational stop signal (p.Leu1887Profs*15) in the SYNE1 gene. It is expected to result in an absent or disrupted protein product. Loss-of-function variants in SYNE1 are known to be pathogenic (PMID: 19542096, 24319099, 27086870). This variant is not present in population databases (gnomAD no frequency). This variant has not been reported in the literature in individuals affected with SYNE1-related conditions. For these reasons, this variant has been classified as Pathogenic.

Mayo Clinic Laboratories, Mayo Clinic
Classification: Likely pathogenic. Last evaluated: 2023-06-09. Review status: criteria provided, single submitter. Criteria: ACMG Guidelines, 2015. Collection method: clinical testing. Allele origin: germline.
Comment: PM2_moderate, PVS1

Literature cited by the submitters: PubMed 19542096 (cited by Labcorp Genetics (formerly Invitae), Labcorp); PubMed 24319099 (cited by Labcorp Genetics (formerly Invitae), Labcorp); PubMed 27086870 (cited by Labcorp Genetics (formerly Invitae), Labcorp).

NM_182961.4(SYNE1):c.5639_5652del (p.Leu1880fs)

Gene: SYNE1 (spectrin repeat containing nuclear envelope protein 1; minus strand). Cytogenetic location: 6q25.2.
Variant type: Deletion.
Coding change: c.5639_5652del on transcript NM_182961.4 (MANE Select); coding-DNA positions 5639 to 5652, 14 bases deleted (TGTCCGGCATTCTC).
Protein change: p.Leu1880fs; shifts the reading frame from leucine 1880.
Molecular consequence: frameshift variant.
Genome position (GRCh38, 1-based): chr6:152,416,785-152,416,798, GAGAATGCCGGACA deleted on the plus strand (TGTCCGGCATTCTC on the coding strand, the reverse complement: SYNE1 is on the minus strand); deleting any 14 consecutive bases within chr6:152,416,785-152,416,802 gives the same sequence; the c. name uses the placement nearest the transcript's 3' end. VCF-style (leftmost placement, unchanged base first): chr6-152416784-GGAGAATGCCGGACA-G. GRCh37 (hg19) VCF-style: chr6-152737919-GGAGAATGCCGGACA-G.
Other names: p.Leu1887Profs*15; c.5656_5669delTCTCTGTCCGGCAT, p.Leu1887Profs (NM_033071.3); c.5660_5673del, p.Leu1887fs (NM_033071.5); short protein forms L1880fs, L1887fs.
Identifiers: ClinVar variation 2682860 (VCV002682860.5), dbSNP rs749419811, ClinGen allele CA150207711.
Genomic context (GRCh38, chr6:152,416,784, plus strand): 5'-TCAAATCAGACTCGTTCTTATTCATACTGTTGGTTGCTTCCACTGTTTGCCTCAGCTGGC[GGAGAATGCCGGACA>G]GAGAGGCATGGCTCTGGAGGAATTCTGCCAAATGGGACAGGGCAAGCTGCCGCCTCTCCA-3'